The following is an entry in ClinVar:

ClinVar aggregate classification (germline): Uncertain significance (1 of 4 stars; one submission).

Conditions:
Congenital muscular dystrophy due to integrin alpha-7 deficiency. Also called: MYOPATHY, CONGENITAL, DUE TO INTEGRIN ALPHA-7 DEFICIENCY; Muscular dystrophy, congenital, due to ITGA7 deficiency; Congenital muscular dystrophy with integrin alpha-7 deficiency. Identifiers: Orphanet 34520, MedGen C2750786, MONDO:0013177, OMIM 613204.

Submission:

GeneDx
Classification: Uncertain significance. Last evaluated: 2021-05-06. Review status: criteria provided, single submitter. Criteria: GeneDx Variant Classification Process June 2021. Collection method: clinical testing. Allele origin: germline. Affected: yes.
Comment: Not observed in large population cohorts (Lek et al., 2016); In silico analysis, which includes splice predictors and evolutionary conservation, supports a deleterious effect; Has not been previously published as pathogenic or benign to our knowledge

NM_002206.3(ITGA7):c.671-285A>G

Gene: ITGA7 (integrin subunit alpha 7; minus strand). Cytogenetic location: 12q13.2.
Variant type: single nucleotide variant.
Coding change: c.671-285A>G on transcript NM_002206.3 (MANE Select); 285 bases into the intron before coding-DNA position 671, A replaced by G.
Molecular consequence: intron variant. On other transcripts: missense variant (6).
Genome position (GRCh38, 1-based): chr12:55,700,274, T>C on the plus strand (A>G on the coding strand, the complement: ITGA7 is on the minus strand). VCF-style: chr12-55700274-T-C. GRCh37 (hg19) VCF-style: chr12-56094058-T-C.
Other names: c.790A>G, p.Asn264Asp (NM_001144996.2, NM_001410977.1, NM_001414029.1 and 1 more transcripts); c.499A>G, p.Asn167Asp (NM_001144997.2); c.451A>G, p.Asn151Asp (NM_001367993.1); c.-503+625A>G (NM_001367994.1); c.671-285A>G (NM_001374465.1); short protein forms N151D, N264D, N167D.
Identifiers: ClinVar variation 973027 (VCV000973027.4), dbSNP rs1873675449, ClinGen allele CA385191659.
Genomic context (GRCh38, chr12:55,700,274, plus strand): 5'-AGAGGAGCAGAGGGTTAGAGCAGTTCTGGGCCGGGGAGAGGTCCCTACCAAAGTAGCTGT[T>C]GGCAGGGACCGGGATGAGGCGGGGGTCCTGCTCCTTCTCTCCCCCCGCCTCGTAGGGACC-3'